The following is an entry in ClinVar:

NM_015978.3(TNNI3K):c.907A>C (p.Ile303Leu)

Genes: TNNI3K (TNNI3 interacting kinase; plus strand), FPGT-TNNI3K (FPGT-TNNI3K readthrough; plus strand). Cytogenetic location: 1p31.1.
Variant type: single nucleotide variant.
Coding change: c.907A>C on transcript NM_015978.3 (MANE Select); coding-DNA position 907, A replaced by C.
Protein change: p.Ile303Leu; replaces isoleucine 303 with leucine.
Molecular consequence: missense variant.
Genome position (GRCh38, 1-based): chr1:74,343,154, A>C. VCF-style: chr1-74343154-A-C. GRCh37 (hg19) VCF-style: chr1-74808838-A-C.
Other names: c.1210A>C, p.Ile404Leu (NM_001112808.3, NM_001199327.2); short protein forms I303L, I404L.
Identifiers: ClinVar variation 1713819 (VCV001713819.5), dbSNP rs200235152, ClinGen allele CA340782395.

ClinVar aggregate classification (germline): Uncertain significance (1 of 4 stars; one submission).

gnomAD v4.1: 1 of 1,612,534 alleles (0.000062%); highest among the groups gnomAD compares: East Asian, 0.0022%; no homozygotes.

Submission:

Labcorp Genetics (formerly Invitae), Labcorp
Classification: Uncertain significance. Last evaluated: 2024-10-18. Review status: criteria provided, single submitter. Criteria: Invitae Variant Classification Sherloc (09022015). Collection method: clinical testing. Allele origin: germline.
Comment: This sequence change replaces isoleucine, which is neutral and non-polar, with leucine, which is neutral and non-polar, at codon 303 of the TNNI3K protein (p.Ile303Leu). This variant is not present in population databases (gnomAD no frequency). This variant has not been reported in the literature in individuals affected with TNNI3K-related conditions. ClinVar contains an entry for this variant (Variation ID: 1713819). Invitae Evidence Modeling of protein sequence and biophysical properties (such as structural, functional, and spatial information, amino acid conservation, physicochemical variation, residue mobility, and thermodynamic stability) indicates that this missense variant is not expected to disrupt TNNI3K protein function with a negative predictive value of 80%. In summary, the available evidence is currently insufficient to determine the role of this variant in disease. Therefore, it has been classified as a Variant of Uncertain Significance.